The following is an entry in ClinVar:

ClinVar aggregate classification (germline): Uncertain significance (1 of 4 stars; one submission).

Conditions:
Cardiovascular phenotype. Identifiers: MedGen CN230736.

Allele frequency attached by ClinVar (database versions not stated): gnomAD exomes below 0.00001; gnomAD 0.00006; TOPMed 0.00012.
gnomAD v4.1: 14 of 1,550,108 alleles (0.0009%); highest among the groups gnomAD compares: African/African-American, 0.016%; no homozygotes.

Submission:

Ambry Genetics
Classification: Uncertain significance for Cardiovascular phenotype. Last evaluated: 2025-02-06. Review status: criteria provided, single submitter. Criteria: Ambry Variant Classification Scheme 2023. Collection method: clinical testing. Allele origin: germline.
Comment: The p.S1770G variant (also known as c.5308A>G), located in coding exon 2 of the ZNF469 gene, results from an A to G substitution at nucleotide position 5308. The serine at codon 1770 is replaced by glycine, an amino acid with similar properties. This amino acid position is conserved. In addition, this alteration is predicted to be tolerated by in silico analysis. Since supporting evidence is limited at this time, the clinical significance of this alteration remains unclear.

NM_001367624.2(ZNF469):c.5392A>G (p.Ser1798Gly)

Gene: ZNF469 (zinc finger protein 469; plus strand). Cytogenetic location: 16q24.2.
Variant type: single nucleotide variant.
Coding change: c.5392A>G on transcript NM_001367624.2 (MANE Select); coding-DNA position 5392, A replaced by G.
Protein change: p.Ser1798Gly; replaces serine 1798 with glycine.
Molecular consequence: missense variant.
Genome position (GRCh38, 1-based): chr16:88,432,862, A>G. VCF-style: chr16-88432862-A-G. GRCh37 (hg19) VCF-style: chr16-88499270-A-G.
Other names: NM_001127464.1:c.5308A>G; short protein forms S1798G.
Identifiers: ClinVar variation 1746734 (VCV001746734.3), dbSNP rs1024996768, ClinGen allele CA286377445.